The following is an entry in ClinVar:

ClinVar aggregate classification (germline): Conflicting classifications of pathogenicity. Review status: criteria provided, conflicting classifications (1 of 4 stars). 7 submissions from 7 submitters: Uncertain significance (5); Likely benign (1). 1 of the submissions does not count toward it. Last evaluated 2024-04-02.

Conditions:
Orofaciodigital syndrome type 6 (OFD6). Also called: Y-shaped central metacarpal and cerebellar defect; Joubert syndrome with orofacialdigital anomalies; OROFACIODIGITAL SYNDROME VI; OFDS VI; POLYDACTYLY, CLEFT LIP/PALATE OR LINGUAL LUMP, AND PSYCHOMOTOR RETARDATION; VARADI SYNDROME. Identifiers: Orphanet 2754, MedGen C2745997, MONDO:0010176, OMIM 277170.
Joubert syndrome 17 (JBTS17). Identifiers: Orphanet 475, MedGen C3553264, MONDO:0013824, OMIM 614615.

Allele frequency attached by ClinVar (database versions not stated): gnomAD 0.00007 and 0.00006; TOPMed 0.00007; gnomAD exomes 0.00009 and 0.00020; ExAC 0.00016.
gnomAD v4.1: 137 of 1,547,990 alleles (0.0089%); highest among the groups gnomAD compares: Middle Eastern, 0.05%; no homozygotes.

Submissions (7):

Blueprint Genetics
Classification: Likely benign. Last evaluated: 2024-04-02. Review status: criteria provided, single submitter. Criteria: ACMG Guidelines, 2015. Collection method: clinical testing. Allele origin: germline.

Fulgent Genetics
Classification: Uncertain significance for Orofaciodigital syndrome type 6; Joubert syndrome 17. Last evaluated: 2024-01-22. Review status: criteria provided, single submitter. Criteria: ACMG Guidelines, 2015. Collection method: clinical testing. Allele origin: germline.

GeneDx
Classification: Uncertain significance. Last evaluated: 2023-06-15. Review status: criteria provided, single submitter. Criteria: GeneDx Variant Classification Process June 2021. Collection method: clinical testing. Allele origin: germline. Affected: yes.
Comment: In silico analysis supports that this missense variant has a deleterious effect on protein structure/function; Has not been previously published as pathogenic or benign to our knowledge

Labcorp Genetics (formerly Invitae), Labcorp
Classification: Uncertain significance. Last evaluated: 2022-08-06. Review status: criteria provided, single submitter. Criteria: Invitae Variant Classification Sherloc (09022015). Collection method: clinical testing. Allele origin: germline.
Comment: This sequence change replaces proline, which is neutral and non-polar, with serine, which is neutral and polar, at codon 375 of the CPLANE1 protein (p.Pro375Ser). This variant is present in population databases (rs774016809, gnomAD 0.1%). This variant has not been reported in the literature in individuals affected with CPLANE1-related conditions. ClinVar contains an entry for this variant (Variation ID: 353462). Algorithms developed to predict the effect of missense changes on protein structure and function are either unavailable or do not agree on the potential impact of this missense change (SIFT: "Deleterious"; PolyPhen-2: "Possibly Damaging"; Align-GVGD: "Class C0"). In summary, the available evidence is currently insufficient to determine the role of this variant in disease. Therefore, it has been classified as a Variant of Uncertain Significance.

Illumina Laboratory Services, Illumina
Classification: Uncertain significance for Joubert syndrome 17. Last evaluated: 2018-01-13. Review status: criteria provided, single submitter. Criteria: ICSL Variant Classification Criteria 13 December 2019. Collection method: clinical testing. Allele origin: germline.

Breakthrough Genomics
Classification: Uncertain significance. Review status: criteria provided, single submitter. Criteria: ACMG Guidelines, 2015. Collection method: not provided. Allele origin: germline. Inheritance: Autosomal recessive inheritance. Affected: yes.

Hong-Tao Li Lab, Institute of Brain Science and Brain-inspired Research, Shandong First Medical University & Shandong Academy of Medical Sciences China
Classification: Uncertain significance for Joubert syndrome 17. Review status: no assertion criteria provided. Collection method: research. Allele origin: germline. Inheritance: Autosomal recessive inheritance. Affected: yes. Observed: 1 variant allele, 1 homozygote. Not counted in ClinVar's aggregate classification.
Comment: Observed in affected individuals from a Pakistani neurodevelopmental-disorder research cohort of 263 individuals. Classification assigned using the ACMG/AMP framework. Population-frequency evidence: gnomAD AF 0.0001675.

NM_001384732.1(CPLANE1):c.1123C>T (p.Pro375Ser)

Gene: CPLANE1 (ciliogenesis and planar polarity effector complex subunit 1; minus strand). Cytogenetic location: 5p13.2.
Variant type: single nucleotide variant.
Coding change: c.1123C>T on transcript NM_001384732.1 (MANE Select); coding-DNA position 1123, C replaced by T.
Protein change: p.Pro375Ser; replaces proline 375 with serine.
Molecular consequence: missense variant.
Genome position (GRCh38, 1-based): chr5:37,227,816, G>A on the plus strand (C>T on the coding strand, the complement: CPLANE1 is on the minus strand). VCF-style: chr5-37227816-G-A. GRCh37 (hg19) VCF-style: chr5-37227918-G-A.
Other names: c.1123C>T, p.Pro375Ser (NM_023073.4); short protein forms P375S.
Identifiers: ClinVar variation 353462 (VCV000353462.15), dbSNP rs774016809, ClinGen allele CA3239126.
Genomic context (GRCh38, chr5:37,227,816, plus strand): 5'-CACTATCAGAAGCTGATGAATCAACAGAATTATTTGAATCTTGAAACGTAAACTGCTGTG[G>A]TCTAGTAAACAAACATCAAAATACAAGAATCAGTAAGAGAAAGATCTTACGGAAAACAAT-3'
Protein context (NP_001371661.1, residues 365-385): IPLHPLITYR[Pro375Ser]QQFTFQDSNN